The following is an entry in ClinVar:

NM_001286577.2(C2CD3):c.2926A>G (p.Ser976Gly)

Gene: C2CD3 (C2 domain containing 3 centriole elongation regulator; minus strand). Cytogenetic location: 11q13.4.
Variant type: single nucleotide variant.
Coding change: c.2926A>G on transcript NM_001286577.2 (MANE Select); coding-DNA position 2926, A replaced by G.
Protein change: p.Ser976Gly; replaces serine 976 with glycine.
Molecular consequence: missense variant.
Genome position (GRCh38, 1-based): chr11:74,098,062, T>C on the plus strand (A>G on the coding strand, the complement: C2CD3 is on the minus strand). VCF-style: chr11-74098062-T-C. GRCh37 (hg19) VCF-style: chr11-73809107-T-C.
Other names: c.2926A>G, p.Ser976Gly (NM_015531.6); short protein forms S976G.
Identifiers: ClinVar variation 1949376 (VCV001949376.5), dbSNP rs2496429780, ClinGen allele CA381829385.
Genomic context (GRCh38, chr11:74,098,062, plus strand): 5'-TTATTACCATAGCAACAGATGCTGCAGTTGGCTGGTCCAGGAAATGGGCTGGCCTAGGGC[T>C]GAAGGGAGGGAGTGTTCCTTCTTCATTCTTTAATCTTTGTAGTGCCATTATTTGATTTGA-3'
Protein context (NP_001273506.1, residues 966-986): KNEEGTLPPF[Ser976Gly]PRPAHFLDQP

ClinVar aggregate classification (germline): Uncertain significance (1 of 4 stars; one submission).

Submission:

Labcorp Genetics (formerly Invitae), Labcorp
Classification: Uncertain significance. Last evaluated: 2022-10-17. Review status: criteria provided, single submitter. Criteria: Invitae Variant Classification Sherloc (09022015). Collection method: clinical testing. Allele origin: germline.
Comment: This sequence change replaces serine, which is neutral and polar, with glycine, which is neutral and non-polar, at codon 976 of the C2CD3 protein (p.Ser976Gly). This variant is not present in population databases (gnomAD no frequency). This variant has not been reported in the literature in individuals affected with C2CD3-related conditions. Advanced modeling of protein sequence and biophysical properties (such as structural, functional, and spatial information, amino acid conservation, physicochemical variation, residue mobility, and thermodynamic stability) performed at Invitae indicates that this missense variant is not expected to disrupt C2CD3 protein function. In summary, the available evidence is currently insufficient to determine the role of this variant in disease. Therefore, it has been classified as a Variant of Uncertain Significance.